The following is an entry in ClinVar:

NM_001170629.2(CHD8):c.7463C>G (p.Ser2488Cys)

Gene: CHD8 (chromodomain helicase DNA binding protein 8; minus strand). Cytogenetic location: 14q11.2.
Variant type: single nucleotide variant.
Coding change: c.7463C>G on transcript NM_001170629.2 (MANE Select); coding-DNA position 7463, C replaced by G.
Protein change: p.Ser2488Cys; replaces serine 2488 with cysteine.
Molecular consequence: missense variant.
Genome position (GRCh38, 1-based): chr14:21,385,896, G>C on the plus strand (C>G on the coding strand, the complement: CHD8 is on the minus strand). VCF-style: chr14-21385896-G-C. GRCh37 (hg19) VCF-style: chr14-21854055-G-C.
Other names: c.6626C>G, p.Ser2209Cys (NM_020920.4); short protein forms S2209C, S2488C.
Identifiers: ClinVar variation 4690112 (VCV004690112.2).

ClinVar aggregate classification (germline): Uncertain significance (1 of 4 stars; one submission).

Submission:

GeneDx
Classification: Uncertain significance. Last evaluated: 2026-02-05. Review status: criteria provided, single submitter. Criteria: GeneDx Variant Classification Process June 2021. Collection method: clinical testing. Allele origin: germline.
Comment: Not observed at significant frequency in large population cohorts (gnomAD); In silico analysis suggests that this missense variant does not alter protein structure/function; Has not been previously published as pathogenic or benign to our knowledge